The following is an entry in ClinVar:

NM_000400.4(ERCC2):c.2132A>T (p.Asp711Val)

Gene: ERCC2 (ERCC excision repair 2, TFIIH core complex helicase subunit; minus strand). Cytogenetic location: 19q13.32.
Variant type: single nucleotide variant.
Coding change: c.2132A>T on transcript NM_000400.4 (MANE Select); coding-DNA position 2132, A replaced by T.
Protein change: p.Asp711Val; replaces aspartic acid 711 with valine.
Molecular consequence: missense variant.
Genome position (GRCh38, 1-based): chr19:45,352,267, T>A on the plus strand (A>T on the coding strand, the complement: ERCC2 is on the minus strand). VCF-style: chr19-45352267-T-A. GRCh37 (hg19) VCF-style: chr19-45855525-T-A.
Other names: short protein forms D711V.
Identifiers: ClinVar variation 3231675 (VCV003231675.1), dbSNP rs1203133823, ClinGen allele CA406362125.
Genomic context (GRCh38, chr19:45,352,267, plus strand): 5'-ACCCGGTGGAAGGGCTGTGCCATCTGCCGCAGGAAGTACTTGGCCACCTGGACACCCTCG[T>A]CCACGGTCAGGTTGAGGTTGGCATCTGTGAGGTGCTCCTGGATCCAGCGGGGCAGCTTCC-3'
Protein context (NP_000391.1, residues 701-721): LTDANLNLTV[Asp711Val]EGVQVAKYFL

ClinVar aggregate classification (germline): Uncertain significance (1 of 4 stars; one submission).

Conditions:
Inborn genetic diseases. Identifiers: MedGen C0950123, MeSH D030342.

Submission:

Ambry Genetics
Classification: Uncertain significance for Inborn genetic diseases. Last evaluated: 2022-12-25. Review status: criteria provided, single submitter. Criteria: Ambry Variant Classification Scheme 2023. Collection method: clinical testing. Allele origin: germline.
Comment: The p.D711V variant (also known as c.2132A>T), located in coding exon 22 of the ERCC2 gene, results from an A to T substitution at nucleotide position 2132. The aspartic acid at codon 711 is replaced by valine, an amino acid with highly dissimilar properties. This amino acid position is conserved. In addition, this alteration is predicted to be deleterious by in silico analysis. Since supporting evidence is limited at this time, the clinical significance of this alteration remains unclear.